The following is an entry in ClinVar:

NM_019892.6(INPP5E):c.221C>T (p.Pro74Leu)

Gene: INPP5E (inositol polyphosphate-5-phosphatase E; minus strand). Cytogenetic location: 9q34.3.
Variant type: single nucleotide variant.
Coding change: c.221C>T on transcript NM_019892.6 (MANE Select); coding-DNA position 221, C replaced by T.
Protein change: p.Pro74Leu; replaces proline 74 with leucine.
Molecular consequence: missense variant.
Genome position (GRCh38, 1-based): chr9:136,439,199, G>A on the plus strand (C>T on the coding strand, the complement: INPP5E is on the minus strand). VCF-style: chr9-136439199-G-A. GRCh37 (hg19) VCF-style: chr9-139333651-G-A.
Other names: c.221C>T, p.Pro74Leu (NM_001318502.2); short protein forms P74L.
Identifiers: ClinVar variation 4994167 (VCV004994167.1).
Genomic context (GRCh38, chr9:136,439,199, plus strand): 5'-CTCCTCCTCCAGCCCTTGTCGTCCAGGGACAGGGCTCGCTCCAGTCGAGGCCTGGCGGGG[G>A]GCCGCGGGGCGATGGGTGCTGCTCGGGCTGGCGGGTCCTCGCCGCTGGGCGTGGCCGGAG-3'
Protein context (NP_063945.2, residues 64-84): PARAAPIAPR[Pro74Leu]PARPRLERAL

ClinVar aggregate classification (germline): Uncertain significance (1 of 4 stars; one submission).

Conditions:
INPP5E-related disorder. Also called: INPP5E-related condition.

gnomAD v4.1: 9 of 1,541,870 alleles (0.00058%); highest among the groups gnomAD compares: South Asian, 0.011%; no homozygotes.

Submission:

PreventionGenetics, part of Exact Sciences
Classification: Uncertain significance for INPP5E-related condition. Last evaluated: 2026-06-16. Review status: criteria provided, single submitter. Criteria: ACMG Guidelines, 2015. Collection method: clinical testing. Allele origin: germline.
Comment: The INPP5E c.221C>T variant is predicted to result in the amino acid substitution p.Pro74Leu. To our knowledge, this variant has not been reported in the literature. This variant is reported in 0.022% of alleles in individuals of South Asian descent in gnomAD. At this time, the clinical significance of this variant is uncertain due to the absence of conclusive functional and genetic evidence.